The following is an entry in ClinVar:

NM_001256627.2(BRSK2):c.155G>A (p.Arg52His)

Gene: BRSK2 (BR serine/threonine kinase 2; plus strand). Cytogenetic location: 11p15.5.
Variant type: single nucleotide variant.
Coding change: c.155G>A on transcript NM_001256627.2 (MANE Select); coding-DNA position 155, G replaced by A.
Protein change: p.Arg52His; replaces arginine 52 with histidine.
Molecular consequence: missense variant. On other transcripts: 5 prime UTR variant (1), non-coding transcript variant (1).
Genome position (GRCh38, 1-based): chr11:1,436,103, G>A. VCF-style: chr11-1436103-G-A. GRCh37 (hg19) VCF-style: chr11-1457333-G-A.
Other names: c.155G>A, p.Arg52His (NM_001256629.2, NM_003957.4); c.293G>A, p.Arg98His (NM_001256630.1); c.-26G>A (NM_001282218.2); short protein forms R52H, R98H.
Identifiers: ClinVar variation 2580066 (VCV002580066.2), dbSNP rs2133007232, ClinGen allele CA379055585.

ClinVar aggregate classification (germline): Uncertain significance (1 of 4 stars; one submission).

Allele frequency attached by ClinVar (database versions not stated): gnomAD exomes below 0.00001.

Submission:

GeneDx
Classification: Uncertain significance. Last evaluated: 2025-05-12. Review status: criteria provided, single submitter. Criteria: GeneDx Variant Classification Process June 2021. Collection method: clinical testing. Allele origin: germline.
Comment: Not observed at significant frequency in large population cohorts (gnomAD); In silico analysis supports that this missense variant has a deleterious effect on protein structure/function; Has not been previously published as pathogenic or benign to our knowledge